The following is an entry in ClinVar:

ClinVar aggregate classification (germline): Uncertain significance. Review status: criteria provided, multiple submitters, no conflicts (2 of 4 stars). 2 submissions from 2 submitters: Uncertain significance (2). Last evaluated 2025-06-18.

Conditions:
LTBP2-related disorder. Also called: LTBP2-related disorders; LTBP2-related condition.

Allele frequency attached by ClinVar (database versions not stated): gnomAD 0.00002; gnomAD exomes 0.00004 and 0.00007; TOPMed 0.00005; ExAC 0.00008.
gnomAD v4.1: 59 of 1,613,610 alleles (0.0037%); highest among the groups gnomAD compares: Admixed American, 0.01%; no homozygotes.

Submissions (2):

PreventionGenetics, part of Exact Sciences
Classification: Uncertain significance for LTBP2-related condition. Last evaluated: 2025-06-18. Review status: criteria provided, single submitter. Criteria: ACMG Guidelines, 2015. Collection method: clinical testing. Allele origin: germline.
Comment: The LTBP2 c.1681G>A variant is predicted to result in the amino acid substitution p.Gly561Arg. To our knowledge, this variant has not been reported in the literature. This variant is reported in 0.020% of alleles in individuals of Latino descent in gnomAD. At this time, the clinical significance of this variant is uncertain due to the absence of conclusive functional and genetic evidence.

Labcorp Genetics (formerly Invitae), Labcorp
Classification: Uncertain significance. Last evaluated: 2023-08-30. Review status: criteria provided, single submitter. Criteria: Invitae Variant Classification Sherloc (09022015). Collection method: clinical testing. Allele origin: germline.
Comment: In summary, the available evidence is currently insufficient to determine the role of this variant in disease. Therefore, it has been classified as a Variant of Uncertain Significance. An algorithm developed to predict the effect of missense changes on protein structure and function (PolyPhen-2) suggests that this variant is likely to be disruptive. ClinVar contains an entry for this variant (Variation ID: 1439623). This variant has not been reported in the literature in individuals affected with LTBP2-related conditions. This variant is present in population databases (rs771852388, gnomAD 0.02%). This sequence change replaces glycine, which is neutral and non-polar, with arginine, which is basic and polar, at codon 561 of the LTBP2 protein (p.Gly561Arg).

NM_000428.3(LTBP2):c.1681G>A (p.Gly561Arg)

Gene: LTBP2 (latent transforming growth factor beta binding protein 2; minus strand). Cytogenetic location: 14q24.3.
Variant type: single nucleotide variant.
Coding change: c.1681G>A on transcript NM_000428.3 (MANE Select); coding-DNA position 1681, G replaced by A.
Protein change: p.Gly561Arg; replaces glycine 561 with arginine.
Molecular consequence: missense variant.
Genome position (GRCh38, 1-based): chr14:74,551,069, C>T on the plus strand (G>A on the coding strand, the complement: LTBP2 is on the minus strand). VCF-style: chr14-74551069-C-T. GRCh37 (hg19) VCF-style: chr14-75017772-C-T.
Other names: c.1681G>A (NM_000428.2); short protein forms G561R.
Identifiers: ClinVar variation 1439623 (VCV001439623.5), dbSNP rs771852388, ClinGen allele CA7269812.
Genomic context (GRCh38, chr14:74,551,069, plus strand): 5'-GGGACAACTGCCATCCTGGAAGCATCCAGGGCTGAGGCCAGAGCTGTGTTCTCACCTGTC[C>T]GTTCACAGTGTTCAGGTAACACCGGCCCAGCAGTCCTCGAGGCCTGGGTGCTGCTGGGGG-3'
Protein context (NP_000419.1, residues 551-571): LGRCYLNTVN[Gly561Arg]QCANPLLELT